The following is an entry in ClinVar:

ClinVar aggregate classification (germline): Uncertain significance (1 of 4 stars; one submission).

Conditions:
Arrhythmogenic right ventricular dysplasia 10. Also called: Arrhythmogenic Right Ventricular Dysplasia/Cardiomyopathy10; ARRHYTHMOGENIC RIGHT VENTRICULAR DYSPLASIA, FAMILIAL, 10; Arrhythmogenic right ventricular dysplasia/cardiomyopathy, type 10. Identifiers: MedGen C1857777, MONDO:0012434, OMIM 610193.

Allele frequency attached by ClinVar (database versions not stated): gnomAD exomes below 0.00001.
gnomAD v4.1: 1 of 1,613,752 alleles (0.000062%); highest among the groups gnomAD compares: African/African-American, 0.0013%; no homozygotes.

Submission:

Labcorp Genetics (formerly Invitae), Labcorp
Classification: Uncertain significance for Arrhythmogenic right ventricular dysplasia 10. Last evaluated: 2022-09-27. Review status: criteria provided, single submitter. Criteria: Invitae Variant Classification Sherloc (09022015). Collection method: clinical testing. Allele origin: germline.
Comment: This variant is not present in population databases (gnomAD no frequency). This variant has not been reported in the literature in individuals affected with DSG2-related conditions. Algorithms developed to predict the effect of missense changes on protein structure and function are either unavailable or do not agree on the potential impact of this missense change (SIFT: "Tolerated"; PolyPhen-2: "Probably Damaging"; Align-GVGD: "Class C0"). In summary, the available evidence is currently insufficient to determine the role of this variant in disease. Therefore, it has been classified as a Variant of Uncertain Significance. This sequence change replaces glutamic acid, which is acidic and polar, with lysine, which is basic and polar, at codon 339 of the DSG2 protein (p.Glu339Lys).

NM_001943.5(DSG2):c.1015G>A (p.Glu339Lys)

Gene: DSG2 (desmoglein 2; plus strand). Cytogenetic location: 18q12.1.
Variant type: single nucleotide variant.
Coding change: c.1015G>A on transcript NM_001943.5 (MANE Select); coding-DNA position 1015, G replaced by A.
Protein change: p.Glu339Lys; replaces glutamic acid 339 with lysine.
Molecular consequence: missense variant.
Genome position (GRCh38, 1-based): chr18:31,530,987, G>A. VCF-style: chr18-31530987-G-A. GRCh37 (hg19) VCF-style: chr18-29110950-G-A.
Other names: short protein forms E339K.
Identifiers: ClinVar variation 2167409 (VCV002167409.4), dbSNP rs2510915235, ClinGen allele CA402137843.
Genomic context (GRCh38, chr18:31,530,987, plus strand): 5'-TATGTATACATGTCTTCTGTTTTCTCTTTGAAAAGAATTCCCTTTGGTTTTCCCTTTCAG[G>A]AAGTAGATTATGAAGAAATGAAGAATCTTGACTTCAGTGTTATTGTCGCTAATAAAGCAG-3'
Protein context (NP_001934.2, residues 329-349): TNEGIVTLIK[Glu339Lys]VDYEEMKNLD